The following is an entry in ClinVar:

NM_000088.4(COL1A1):c.841G>A (p.Gly281Ser)

Genes: COL1A1 (collagen type I alpha 1 chain; minus strand), LOC126862586 (CDK7 strongly-dependent group 2 enhancer GRCh37_chr17:48273702-48274901; plus strand). Cytogenetic location: 17q21.33.
Variant type: single nucleotide variant.
Coding change: c.841G>A on transcript NM_000088.4 (MANE Select); coding-DNA position 841, G replaced by A.
Protein change: p.Gly281Ser; replaces glycine 281 with serine.
Molecular consequence: missense variant.
Genome position (GRCh38, 1-based): chr17:50,196,634, C>T on the plus strand (G>A on the coding strand, the complement: COL1A1 is on the minus strand). VCF-style: chr17-50196634-C-T. GRCh37 (hg19) VCF-style: chr17-48273995-C-T.
Other names: c.841G>A (LRG_1t1); short protein forms G281S.
Identifiers: ClinVar variation 425590 (VCV000425590.4), dbSNP rs72645334, ClinGen allele CA291547390.

ClinVar aggregate classification (germline): Pathogenic. Review status: criteria provided, single submitter (1 of 4 stars). 2 submissions from 2 submitters: Pathogenic (1). 1 of the submissions does not count toward it. Last evaluated 2023-11-30.

Conditions:
Osteogenesis imperfecta type I (OI1). Also called: Lobstein's Disease; Lobstein disease; Osteogenesis imperfecta type 1; OI, TYPE I; OSTEOGENESIS IMPERFECTA TARDA; OSTEOGENESIS IMPERFECTA WITH BLUE SCLERAE. Identifiers: Orphanet 216796, Orphanet 666, MedGen C0023931, MONDO:0008146, OMIM 166200. Disease mechanism: loss of function.

Submissions (2):

Labcorp Genetics (formerly Invitae), Labcorp
Classification: Pathogenic for Osteogenesis imperfecta type I. Last evaluated: 2023-11-30. Review status: criteria provided, single submitter. Criteria: Invitae Variant Classification Sherloc (09022015). Collection method: clinical testing. Allele origin: germline.
Comment: This sequence change replaces glycine, which is neutral and non-polar, with serine, which is neutral and polar, at codon 281 of the COL1A1 protein (p.Gly281Ser). This variant is not present in population databases (gnomAD no frequency). This missense change has been observed in individual(s) with osteogenesis imperfecta (PMID: 17078022, 26177859, 29620724). In at least one individual the variant was observed to be de novo. ClinVar contains an entry for this variant (Variation ID: 425590). Advanced modeling of protein sequence and biophysical properties (such as structural, functional, and spatial information, amino acid conservation, physicochemical variation, residue mobility, and thermodynamic stability) performed at Invitae indicates that this missense variant is expected to disrupt COL1A1 protein function with a positive predictive value of 95%. This variant disrupts the triple helix domain of COL1A1. Glycine residues within the Gly-Xaa-Yaa repeats of the triple helix domain are required for the structure and stability of fibrillar collagens (PMID: 7695699, 8218237, 19344236). In COL1A1, variants affecting these glycine residues are significantly enriched in individuals with disease (PMID: 9016532, 17078022) compared to the general population (ExAC). For these reasons, this variant has been classified as Pathogenic.

Department of Medical Sciences, Uppsala University
Classification: Pathogenic for OI type I. Review status: no assertion criteria provided. Collection method: clinical testing. Allele origin: unknown. Affected: yes. Observed: 1 variant allele. Not counted in ClinVar's aggregate classification.

Literature cited by the submitters: PubMed 17078022 (cited by Labcorp Genetics (formerly Invitae), Labcorp); PubMed 26177859 (cited by Labcorp Genetics (formerly Invitae), Labcorp); PubMed 29620724 (cited by Labcorp Genetics (formerly Invitae), Labcorp); PubMed 7695699 (cited by Labcorp Genetics (formerly Invitae), Labcorp); PubMed 8218237 (cited by Labcorp Genetics (formerly Invitae), Labcorp); PubMed 19344236 (cited by Labcorp Genetics (formerly Invitae), Labcorp); PubMed 9016532 (cited by Labcorp Genetics (formerly Invitae), Labcorp); PubMed 25944380 (cited by Department of Medical Sciences, Uppsala University).